The following is an entry in ClinVar:

ClinVar aggregate classification (germline): Benign (1 of 4 stars; one submission).

Allele frequency attached by ClinVar (database versions not stated): ExAC 0.04878; 1000 Genomes Project 0.00479; gnomAD 0.01028 and 0.01066; TOPMed 0.01033; 1000 Genomes Project 30x 0.00531; gnomAD exomes 0.00954.

Submission:

GeneDx
Classification: Benign. Last evaluated: 2014-03-26. Review status: criteria provided, single submitter. Criteria: GeneDx Variant Classification (06012015). Collection method: clinical testing. Allele origin: germline. Affected: yes.
Comment: This variant is considered likely benign or benign based on one or more of the following criteria: it is a conservative change, it occurs at a poorly conserved position in the protein, it is predicted to be benign by multiple in silico algorithms, and/or has population frequency not consistent with disease.

NM_014317.3(PDSS1):c.-29C>T

Gene: PDSS1 (decaprenyl diphosphate synthase subunit 1; plus strand). Cytogenetic location: 10p12.1.
Variant type: single nucleotide variant.
Coding change: c.-29C>T on transcript NM_014317.3; 29 bases upstream of the start codon, C replaced by T.
Genome position (GRCh38, 1-based): chr10:26,697,683, C>T. VCF-style: chr10-26697683-C-T. GRCh37 (hg19) VCF-style: chr10-26986612-C-T.
Identifiers: ClinVar variation 138686 (VCV000138686.7), dbSNP rs537781419, ClinGen allele CA292772.